The following is an entry in ClinVar:

NM_001128178.3(NPHP1):c.771+89A>G

Gene: NPHP1 (nephrocystin 1; minus strand). Cytogenetic location: 2q13.
Variant type: single nucleotide variant.
Coding change: c.771+89A>G on transcript NM_001128178.3 (MANE Select); 89 bases into the intron after coding-DNA position 771, A replaced by G.
Molecular consequence: intron variant. On other transcripts: missense variant (2).
Genome position (GRCh38, 1-based): chr2:110,164,599, T>C on the plus strand (A>G on the coding strand, the complement: NPHP1 is on the minus strand). VCF-style: chr2-110164599-T-C. GRCh37 (hg19) VCF-style: chr2-110922176-T-C.
Other names: p.Asn287Ser; c.860A>G, p.Asn287Ser (NM_000272.5, NM_207181.4); c.585+89A>G (NM_001128179.3); c.771+89A>G (NM_001374256.1, NM_001374257.1); short protein forms N287S.
Identifiers: ClinVar variation 330735 (VCV000330735.23), dbSNP rs139787582, ClinGen allele CA1827267.

ClinVar aggregate classification (germline): Conflicting classifications of pathogenicity. Review status: criteria provided, conflicting classifications (1 of 4 stars). 12 submissions from 10 submitters: Uncertain significance (10); Likely benign (2). Last evaluated 2026-04-23.

Conditions:
NPHP1-related disorder. Also called: NPHP1-related disorders; NPHP1-related condition.
Inborn genetic diseases. Identifiers: MedGen C0950123, MeSH D030342.
Joubert syndrome with renal defect. Also called: JOUBERT SYNDROME 4. Identifiers: Orphanet 220497, MedGen C1846790, MONDO:0012308, OMIM 609583.
Nephronophthisis 1 (NPHP1). Also called: Nephronophthisis familial juvenile. Identifiers: Orphanet 655, Orphanet 93592, MedGen C1855681, MONDO:0009728, OMIM 256100.
Senior-Loken syndrome 1 (SLSN1). Also called: JUVENILE NEPHRONOPHTHISIS WITH LEBER AMAUROSIS. Identifiers: Orphanet 3156, MedGen C4551559, MONDO:0009962, OMIM 266900.
Nephronophthisis. Also called: Juvenile Nephronophthisis. Identifiers: Orphanet 655, MedGen C0687120, MONDO:0019005, HP:0000090.

Allele frequency attached by ClinVar (database versions not stated): ESP Exome Variant Server 0.00015; 1000 Genomes Project 30x 0.00016; ExAC 0.00016; 1000 Genomes Project 0.00020; gnomAD 0.00023; TOPMed 0.00028.
gnomAD v4.1: 360 of 1,608,984 alleles (0.022%); highest among the groups gnomAD compares: East Asian, 0.083%; no homozygotes.

Submissions (12):

PreventionGenetics, part of Exact Sciences
Classification: Uncertain significance for NPHP1-related condition. Last evaluated: 2026-04-23. Review status: criteria provided, single submitter. Criteria: ACMG Guidelines, 2015. Collection method: clinical testing. Allele origin: germline.
Comment: The NPHP1 c.860A>G variant is predicted to result in the amino acid substitution p.Asn287Ser. To our knowledge, this variant has not been reported in the literature. An alternate substitution at the same amino acid (p.Asn287Asp) has been reported along with a second rare NPHP1 variant in a patient with suspected nephronophthisis (Caridi et al. 2006. PubMed ID: 16762963). However, the c.860A>G (p.Asn287Ser) variant is reported in 0.075% of alleles in individuals of East Asian descent in gnomAD, which is likely too frequent to be a primary cause of disease. Although we suspect that c.860A>G may be benign, the clinical significance of this variant is uncertain due to the absence of conclusive functional and genetic evidence.

Labcorp Genetics (formerly Invitae), Labcorp
Classification: Uncertain significance for Nephronophthisis. Last evaluated: 2025-01-06. Review status: criteria provided, single submitter. Criteria: Invitae Variant Classification Sherloc (09022015). Collection method: clinical testing. Allele origin: germline.
Comment: This sequence change replaces asparagine, which is neutral and polar, with serine, which is neutral and polar, at codon 287 of the NPHP1 protein (p.Asn287Ser). This variant is present in population databases (rs139787582, gnomAD 0.07%). This variant has not been reported in the literature in individuals affected with NPHP1-related conditions. ClinVar contains an entry for this variant (Variation ID: 330735). An algorithm developed to predict the effect of missense changes on protein structure and function outputs the following: PolyPhen-2: "Benign". The serine amino acid residue is found in multiple mammalian species, which suggests that this missense change does not adversely affect protein function. In summary, the available evidence is currently insufficient to determine the role of this variant in disease. Therefore, it has been classified as a Variant of Uncertain Significance.

Mayo Clinic Laboratories, Mayo Clinic
Classification: Uncertain significance. Last evaluated: 2024-10-23. Review status: criteria provided, single submitter. Criteria: ACMG Guidelines, 2015. Collection method: clinical testing. Allele origin: germline. Observed: 1 variant allele.
Comment: BP4_moderate, PM2_supporting

Blueprint Genetics
Classification: Likely benign. Last evaluated: 2024-10-17. Review status: criteria provided, single submitter. Criteria: ACMG Guidelines, 2015. Collection method: clinical testing. Allele origin: germline.

Ambry Genetics
Classification: Likely benign for Inborn genetic diseases. Last evaluated: 2024-06-24. Review status: criteria provided, single submitter. Criteria: Ambry Variant Classification Scheme 2023. Collection method: clinical testing. Allele origin: germline.

Fulgent Genetics
Classification: Uncertain significance for Nephronophthisis 1; Senior-Loken syndrome 1; Joubert syndrome with renal defect. Last evaluated: 2022-03-18. Review status: criteria provided, single submitter. Criteria: ACMG Guidelines, 2015. Collection method: clinical testing. Allele origin: unknown.

GeneDx
Classification: Uncertain significance. Last evaluated: 2020-04-06. Review status: criteria provided, single submitter. Criteria: GeneDx Variant Classification Process June 2021. Collection method: clinical testing. Allele origin: germline. Affected: yes.
Comment: In silico analysis, which includes protein predictors and evolutionary conservation, supports that this variant does not alter protein structure/function; Has not been previously published as pathogenic or benign to our knowledge

Eurofins Ntd Llc (ga)
Classification: Uncertain significance. Last evaluated: 2018-04-24. Review status: criteria provided, single submitter. Criteria: EGL ClinVar v180209 classification definitions. Collection method: clinical testing. Allele origin: germline. Observed: 1 variant allele, 1 heterozygote.

Illumina Laboratory Services, Illumina
Classification: Uncertain significance for Nephronophthisis 1. Last evaluated: 2018-01-12. Review status: criteria provided, single submitter. Criteria: ICSL Variant Classification Criteria 13 December 2019. Collection method: clinical testing. Allele origin: germline.

Illumina Laboratory Services, Illumina
Classification: Uncertain significance for Senior-Loken syndrome 1. Last evaluated: 2018-01-12. Review status: criteria provided, single submitter. Criteria: ICSL Variant Classification Criteria 13 December 2019. Collection method: clinical testing. Allele origin: germline.

Illumina Laboratory Services, Illumina
Classification: Uncertain significance for Joubert syndrome with renal defect. Last evaluated: 2018-01-12. Review status: criteria provided, single submitter. Criteria: ICSL Variant Classification Criteria 13 December 2019. Collection method: clinical testing. Allele origin: germline.

Breakthrough Genomics
Classification: Uncertain significance. Review status: criteria provided, single submitter. Criteria: ACMG Guidelines, 2015. Collection method: not provided. Allele origin: germline. Inheritance: Autosomal recessive inheritance. Affected: yes.

Literature cited by the submitters: PubMed 16762963 (cited by Mayo Clinic Laboratories, Mayo Clinic).